The following is an entry in ClinVar:

ClinVar aggregate classification (germline): Uncertain significance (1 of 4 stars; one submission).

Conditions:
Nephronophthisis. Also called: Juvenile Nephronophthisis. Identifiers: Orphanet 655, MedGen C0687120, MONDO:0019005, HP:0000090.

Submission:

Labcorp Genetics (formerly Invitae), Labcorp
Classification: Uncertain significance for Nephronophthisis. Last evaluated: 2026-01-19. Review status: criteria provided, single submitter. Criteria: Invitae Variant Classification Sherloc (09022015). Collection method: clinical testing. Allele origin: germline.
Comment: This sequence change replaces alanine, which is neutral and non-polar, with proline, which is neutral and non-polar, at codon 535 of the NPHP4 protein (p.Ala535Pro). This variant is not present in population databases (gnomAD no frequency). This variant has not been reported in the literature in individuals affected with NPHP4-related conditions. ClinVar contains an entry for this variant (Variation ID: 1040643). Invitae Evidence Modeling of protein sequence and biophysical properties (such as structural, functional, and spatial information, amino acid conservation, physicochemical variation, residue mobility, and thermodynamic stability) indicates that this missense variant is not expected to disrupt NPHP4 protein function with a negative predictive value of 80%. In summary, the available evidence is currently insufficient to determine the role of this variant in disease. Therefore, it has been classified as a Variant of Uncertain Significance.

NM_015102.5(NPHP4):c.1603G>C (p.Ala535Pro)

Gene: NPHP4 (nephrocystin 4; minus strand). Cytogenetic location: 1p36.31.
Variant type: single nucleotide variant.
Coding change: c.1603G>C on transcript NM_015102.5 (MANE Select); coding-DNA position 1603, G replaced by C.
Protein change: p.Ala535Pro; replaces alanine 535 with proline.
Molecular consequence: missense variant. On other transcripts: non-coding transcript variant (1), intron variant (2).
Genome position (GRCh38, 1-based): chr1:5,907,123, C>G on the plus strand (G>C on the coding strand, the complement: NPHP4 is on the minus strand). VCF-style: chr1-5907123-C-G. GRCh37 (hg19) VCF-style: chr1-5967183-C-G.
Other names: c.76-1340G>C (NM_001291594.2); c.76-1343G>C (NM_001291593.2); short protein forms A535P.
Identifiers: ClinVar variation 1040643 (VCV001040643.8), dbSNP rs1644945043, ClinGen allele CA338056785.